The following is an entry in ClinVar:

NM_017617.5(NOTCH1):c.2664C>T (p.His888=)

Gene: NOTCH1 (notch receptor 1; minus strand). Cytogenetic location: 9q34.3.
Variant type: single nucleotide variant.
Coding change: c.2664C>T on transcript NM_017617.5 (MANE Select); coding-DNA position 2664, C replaced by T.
Protein change: p.His888=; no amino-acid change (histidine 888 retained).
Molecular consequence: synonymous variant.
Genome position (GRCh38, 1-based): chr9:136,510,729, G>A on the plus strand (C>T on the coding strand, the complement: NOTCH1 is on the minus strand). VCF-style: chr9-136510729-G-A. GRCh37 (hg19) VCF-style: chr9-139405181-G-A.
Other names: p.His888=; c.2664C>T (NM_017617.4); c.2664C>T, p.His888= (LRG_1122t1).
Identifiers: ClinVar variation 220987 (VCV000220987.44), dbSNP rs61751548, ClinGen allele CA349798.
Genomic context (GRCh38, chr9:136,510,729, plus strand): 5'-GATGTCGGTCTCGCAGTTGCGCCCACTGTAGCCGGCCTGGCAGTGGCAGCGGTAGCCGCC[G>A]TGGGTGTTCTGGCAGGATGCGCCGTGCCGGCACGGGCTCAGAACGCACTCGTTGATGTCG-3'
Protein context (NP_060087.3, residues 878-898): CRHGASCQNT[His888=]GGYRCHCQAG

ClinVar aggregate classification (germline): Benign. Review status: criteria provided, multiple submitters, no conflicts (2 of 4 stars). 15 submissions from 14 submitters: Benign (12). 3 of the submissions do not count toward it. Last evaluated 2026-02-04.

Conditions:
Adams-Oliver syndrome 5 (AOS5). Identifiers: Orphanet 974, MedGen C4014970, MONDO:0014459, OMIM 616028.
Familial thoracic aortic aneurysm and aortic dissection (TAAD). Also called: Thoracic aortic aneurysms and dissections. Identifiers: Orphanet 91387, MedGen C4707243, MONDO:0019625.
Aortic valve disease 1 (AOVD1). Identifiers: MedGen C3887892, MONDO:0024523, OMIM 109730.

Allele frequency attached by ClinVar (database versions not stated): gnomAD exomes 0.01677 and 0.01247; 1000 Genomes Project 30x 0.00468; 1000 Genomes Project 0.00499; gnomAD 0.01126 and 0.01162; TOPMed 0.01199; ExAC 0.01341; ESP Exome Variant Server 0.01436.
gnomAD v4.1: 26,056 of 1,610,620 alleles (1.6%); highest among the groups gnomAD compares: Non-Finnish European, 2%; 224 homozygotes.

Submissions (15):

Labcorp Genetics (formerly Invitae), Labcorp
Classification: Benign for Adams-Oliver syndrome 5. Last evaluated: 2026-02-04. Review status: criteria provided, single submitter. Criteria: Invitae Variant Classification Sherloc (09022015). Collection method: clinical testing. Allele origin: germline.

ARUP Laboratories, Molecular Genetics and Genomics, ARUP Laboratories
Classification: Benign. Last evaluated: 2025-07-08. Review status: criteria provided, single submitter. Criteria: ARUP Molecular Germline Variant Investigation Process 2024. Collection method: clinical testing. Allele origin: germline.

CeGaT Center for Human Genetics Tuebingen
Classification: Benign. Last evaluated: 2025-02-01. Review status: criteria provided, single submitter. Criteria: CeGaT Center For Human Genetics Tuebingen Variant Classification Criteria Version 2. Collection method: clinical testing. Allele origin: germline. Affected: yes. Observed: 1 variant allele.
Comment: NOTCH1: BP4, BP7, BS1, BS2

Blueprint Genetics
Classification: Benign. Last evaluated: 2024-11-27. Review status: criteria provided, single submitter. Criteria: ACMG Guidelines, 2015. Collection method: clinical testing. Allele origin: germline.

Women's Health and Genetics/Laboratory Corporation of America, LabCorp
Classification: Benign. Last evaluated: 2023-07-21. Review status: criteria provided, single submitter. Criteria: LabCorp Variant Classification Summary - May 2015. Collection method: clinical testing. Allele origin: germline.

Mayo Clinic Laboratories, Mayo Clinic
Classification: Benign. Last evaluated: 2022-06-21. Review status: criteria provided, single submitter. Criteria: ACMG Guidelines, 2015. Collection method: clinical testing. Allele origin: germline. Observed: 52 variant alleles.
Comment: BS1, BS2

Genome-Nilou Lab
Classification: Benign for Adams-Oliver syndrome 5. Last evaluated: 2022-03-15. Review status: criteria provided, single submitter. Criteria: ACMG Guidelines, 2015. Collection method: clinical testing. Allele origin: germline. Affected: no.

Genome-Nilou Lab
Classification: Benign for Aortic valve disease 1. Last evaluated: 2022-03-15. Review status: criteria provided, single submitter. Criteria: ACMG Guidelines, 2015. Collection method: clinical testing. Allele origin: germline. Affected: no.

GeneDx
Classification: Benign. Last evaluated: 2016-10-11. Review status: criteria provided, single submitter. Criteria: GeneDx Variant Classification (06012015). Collection method: clinical testing. Allele origin: germline. Affected: yes.
Comment: This variant is considered likely benign or benign based on one or more of the following criteria: it is a conservative change, it occurs at a poorly conserved position in the protein, it is predicted to be benign by multiple in silico algorithms, and/or has population frequency not consistent with disease.

Eurofins Ntd Llc (ga)
Classification: Benign. Last evaluated: 2016-03-31. Review status: criteria provided, single submitter. Criteria: EGL Classification Definitions 2015. Collection method: clinical testing. Allele origin: germline. Observed: 2 variant alleles, 2 heterozygotes.

Ambry Genetics
Classification: Benign for Familial thoracic aortic aneurysm and aortic dissection. Last evaluated: 2015-02-20. Review status: criteria provided, single submitter. Criteria: Ambry Variant Classification Scheme 2023. Collection method: clinical testing. Allele origin: germline.

Breakthrough Genomics
Classification: Benign. Review status: criteria provided, single submitter. Criteria: ACMG Guidelines, 2015. Collection method: not provided. Allele origin: germline. Inheritance: Autosomal dominant inheritance. Affected: yes.

Clinical Genetics DNA and cytogenetics Diagnostics Lab, Erasmus MC, Erasmus Medical Center
Classification: Benign. Review status: no assertion criteria provided. Collection method: clinical testing. Allele origin: germline. Affected: yes. Study: VKGL Data-share Consensus. Not counted in ClinVar's aggregate classification.

Genome Diagnostics Laboratory, Amsterdam University Medical Center
Classification: Benign. Review status: no assertion criteria provided. Collection method: clinical testing. Allele origin: germline. Affected: yes. Study: VKGL Data-share Consensus. Not counted in ClinVar's aggregate classification.

Joint Genome Diagnostic Labs from Nijmegen and Maastricht, Radboudumc and MUMC+
Classification: Benign. Review status: no assertion criteria provided. Collection method: clinical testing. Allele origin: germline. Affected: yes. Study: VKGL Data-share Consensus. Not counted in ClinVar's aggregate classification.

Literature cited by the submitters: PubMed 24943832 (cited by Women's Health and Genetics/Laboratory Corporation of America, LabCorp); PubMed 16614245 (cited by Women's Health and Genetics/Laboratory Corporation of America, LabCorp); PubMed 21670202 (cited by Women's Health and Genetics/Laboratory Corporation of America, LabCorp); PubMed 22210878 (cited by Women's Health and Genetics/Laboratory Corporation of America, LabCorp); PubMed 19635999 (cited by Women's Health and Genetics/Laboratory Corporation of America, LabCorp); PubMed 26837699 (cited by Women's Health and Genetics/Laboratory Corporation of America, LabCorp); PubMed 23086750 (cited by Women's Health and Genetics/Laboratory Corporation of America, LabCorp); PubMed 19245433 (cited by Women's Health and Genetics/Laboratory Corporation of America, LabCorp); PubMed 22077063 (cited by Women's Health and Genetics/Laboratory Corporation of America, LabCorp); PubMed 15472075 (cited by Women's Health and Genetics/Laboratory Corporation of America, LabCorp); PubMed 23734977 (cited by Women's Health and Genetics/Laboratory Corporation of America, LabCorp); PubMed 22858860 (cited by Women's Health and Genetics/Laboratory Corporation of America, LabCorp).